The following is an entry in ClinVar:

NM_005612.5(REST):c.880C>A (p.His294Asn)

Gene: REST (RE1 silencing transcription factor; plus strand). Cytogenetic location: 4q12.
Variant type: single nucleotide variant.
Coding change: c.880C>A on transcript NM_005612.5 (MANE Select); coding-DNA position 880, C replaced by A.
Protein change: p.His294Asn; replaces histidine 294 with asparagine.
Molecular consequence: missense variant.
Genome position (GRCh38, 1-based): chr4:56,911,518, C>A. VCF-style: chr4-56911518-C-A. GRCh37 (hg19) VCF-style: chr4-57777684-C-A.
Other names: c.880C>A, p.His294Asn (NM_001193508.2, NM_001363453.3, NM_001440532.1 and 1 more transcripts); short protein forms H294N.
Identifiers: ClinVar variation 4716269 (VCV004716269.1).
Genomic context (GRCh38, chr4:56,911,518, plus strand): 5'-AAAGTATACACATGTGGAAAATGCAACTATTTTTCAGACAGAAAAAACAATTATGTTCAG[C>A]ATGTTAGAACTCATACAGGTAAGAGAAGCTTTCTAGTCCATAAGTTCAGTTCTCTTTTCT-3'
Protein context (NP_005603.3, residues 284-304): FSDRKNNYVQ[His294Asn]VRTHTGERPY

ClinVar aggregate classification (germline): Uncertain significance (1 of 4 stars; one submission).

Submission:

Labcorp Genetics (formerly Invitae), Labcorp
Classification: Uncertain significance. Last evaluated: 2025-03-30. Review status: criteria provided, single submitter. Criteria: Invitae Variant Classification Sherloc (09022015). Collection method: clinical testing. Allele origin: germline.
Comment: This sequence change replaces histidine, which is basic and polar, with asparagine, which is neutral and polar, at codon 294 of the REST protein (p.His294Asn). This variant is not present in population databases (gnomAD no frequency). This variant has not been reported in the literature in individuals affected with REST-related conditions. An algorithm developed to predict the effect of missense changes on protein structure and function (PolyPhen-2) suggests that this variant is likely to be disruptive. In summary, the available evidence is currently insufficient to determine the role of this variant in disease. Therefore, it has been classified as a Variant of Uncertain Significance.